The following is an entry in ClinVar:

NM_001040108.2(MLH3):c.4184A>T (p.His1395Leu)

Gene: MLH3 (mutL homolog 3; minus strand). Cytogenetic location: 14q24.3.
Variant type: single nucleotide variant.
Coding change: c.4184A>T on transcript NM_001040108.2 (MANE Select); coding-DNA position 4184, A replaced by T.
Protein change: p.His1395Leu; replaces histidine 1395 with leucine.
Molecular consequence: missense variant.
Genome position (GRCh38, 1-based): chr14:75,018,887, T>A on the plus strand (A>T on the coding strand, the complement: MLH3 is on the minus strand). VCF-style: chr14-75018887-T-A. GRCh37 (hg19) VCF-style: chr14-75485590-T-A.
Other names: c.4112A>T, p.His1371Leu (NM_014381.3); short protein forms H1395L, H1371L.
Identifiers: ClinVar variation 4841824 (VCV004841824.1).

ClinVar aggregate classification (germline): Uncertain significance (1 of 4 stars; one submission).

Submission:

Ambry Genetics
Classification: Uncertain significance. Last evaluated: 2025-12-15. Review status: criteria provided, single submitter. Criteria: Ambry Variant Classification Scheme 2023. Collection method: clinical testing. Allele origin: germline.
Comment: The p.H1395L variant (also known as c.4184A>T), located in coding exon 11 of the MLH3 gene, results from an A to T substitution at nucleotide position 4184. The histidine at codon 1395 is replaced by leucine, an amino acid with similar properties. This amino acid position is conserved. In addition, this alteration is predicted to be deleterious by in silico analysis. Based on the available evidence, the clinical significance of this variant remains unclear.